The following is an entry in ClinVar:

ClinVar aggregate classification (germline): Pathogenic/Likely pathogenic. Review status: criteria provided, multiple submitters, no conflicts (2 of 4 stars). 2 submissions from 2 submitters: Pathogenic (1); Likely pathogenic (1). Last evaluated 2023-09-25.

Conditions:
Myopathy, lactic acidosis, and sideroblastic anemia 1 (MLASA1). Identifiers: Orphanet 2598, MedGen C4551958, MONDO:0024553, OMIM 600462.

Submissions (2):

Labcorp Genetics (formerly Invitae), Labcorp
Classification: Pathogenic. Last evaluated: 2023-09-25. Review status: criteria provided, single submitter. Criteria: Invitae Variant Classification Sherloc (09022015). Collection method: clinical testing. Allele origin: germline.
Comment: This variant is not present in population databases (gnomAD no frequency). For these reasons, this variant has been classified as Pathogenic. Algorithms developed to predict the effect of sequence changes on RNA splicing suggest that this variant may create or strengthen a splice site. ClinVar contains an entry for this variant (Variation ID: 2029352). This variant has not been reported in the literature in individuals affected with PUS1-related conditions. This sequence change creates a premature translational stop signal (p.Gln140*) in the PUS1 gene. It is expected to result in an absent or disrupted protein product. Loss-of-function variants in PUS1 are known to be pathogenic (PMID: 17056637, 19731322, 25058219, 26556812).

Baylor Genetics
Classification: Likely pathogenic for Myopathy, lactic acidosis, and sideroblastic anemia 1. Last evaluated: 2023-01-30. Review status: criteria provided, single submitter. Criteria: ACMG Guidelines, 2015. Collection method: clinical testing. Allele origin: unknown.

Literature cited by the submitters: PubMed 17056637 (cited by Labcorp Genetics (formerly Invitae), Labcorp); PubMed 19731322 (cited by Labcorp Genetics (formerly Invitae), Labcorp); PubMed 25058219 (cited by Labcorp Genetics (formerly Invitae), Labcorp); PubMed 26556812 (cited by Labcorp Genetics (formerly Invitae), Labcorp).

NM_025215.6(PUS1):c.418C>T (p.Gln140Ter)

Genes: PUS1 (pseudouridine synthase 1; plus strand), LOC132090059 (Neanderthal introgressed variant-containing enhancer experimental_25941; plus strand). Cytogenetic location: 12q24.33.
Variant type: single nucleotide variant.
Coding change: c.418C>T on transcript NM_025215.6 (MANE Select); coding-DNA position 418, C replaced by T.
Protein change: p.Gln140Ter; replaces glutamine 140 with a stop codon.
Molecular consequence: nonsense.
Genome position (GRCh38, 1-based): chr12:131,932,289, C>T. VCF-style: chr12-131932289-C-T. GRCh37 (hg19) VCF-style: chr12-132416834-C-T.
Other names: c.334C>T, p.Gln112Ter (NM_001002019.3, NM_001002020.3); short protein forms Q112*, Q140*.
Identifiers: ClinVar variation 2029352 (VCV002029352.5), dbSNP rs2540862808, ClinGen allele CA387298117.